The following is an entry in ClinVar:

NM_000141.5(FGFR2):c.2000T>C (p.Val667Ala)

Gene: FGFR2 (fibroblast growth factor receptor 2; minus strand). Cytogenetic location: 10q26.13.
Variant type: single nucleotide variant.
Coding change: c.2000T>C on transcript NM_000141.5 (MANE Select); coding-DNA position 2000, T replaced by C.
Protein change: p.Val667Ala; replaces valine 667 with alanine.
Molecular consequence: missense variant. On other transcripts: non-coding transcript variant (1).
Genome position (GRCh38, 1-based): chr10:121,487,411, A>G on the plus strand (T>C on the coding strand, the complement: FGFR2 is on the minus strand). VCF-style: chr10-121487411-A-G. GRCh37 (hg19) VCF-style: chr10-123246925-A-G.
Other names: c.2003T>C, p.Val668Ala (NM_001144913.1, NM_022970.4); c.1664T>C, p.Val555Ala (NM_001144914.1); c.1733T>C, p.Val578Ala (NM_001144915.2, NM_023029.3); c.1655T>C, p.Val552Ala (NM_001144916.2); c.1652T>C, p.Val551Ala (NM_001144917.2); c.1649T>C, p.Val550Ala (NM_001144918.2); c.1736T>C, p.Val579Ala (NM_001144919.2); c.1316T>C, p.Val439Ala (NM_001320654.2); and 1 more; short protein forms V550A, V555A, V578A, V579A, V439A, V551A, V552A, V665A.
Identifiers: ClinVar variation 2104711 (VCV002104711.4), dbSNP rs2133824910, ClinGen allele CA378313341.

ClinVar aggregate classification (germline): Uncertain significance (1 of 4 stars; one submission).

Conditions:
FGFR2-related craniosynostosis. Identifiers: MedGen CN231480.

Submission:

Labcorp Genetics (formerly Invitae), Labcorp
Classification: Uncertain significance for FGFR2-related craniosynostosis. Last evaluated: 2022-02-28. Review status: criteria provided, single submitter. Criteria: Invitae Variant Classification Sherloc (09022015). Collection method: clinical testing. Allele origin: germline.
Comment: In summary, the available evidence is currently insufficient to determine the role of this variant in disease. Therefore, it has been classified as a Variant of Uncertain Significance. Algorithms developed to predict the effect of missense changes on protein structure and function (SIFT, PolyPhen-2, Align-GVGD) all suggest that this variant is likely to be disruptive. This variant has not been reported in the literature in individuals affected with FGFR2-related conditions. This variant is not present in population databases (gnomAD no frequency). This sequence change replaces valine, which is neutral and non-polar, with alanine, which is neutral and non-polar, at codon 667 of the FGFR2 protein (p.Val667Ala).